The following is an entry in ClinVar:

ClinVar aggregate classification (germline): Uncertain significance. Review status: criteria provided, multiple submitters, no conflicts (2 of 4 stars). 2 submissions from 2 submitters: Uncertain significance (2). Last evaluated 2025-10-14.

Conditions:
Hereditary cancer-predisposing syndrome. Also called: Neoplastic Syndromes, Hereditary; Tumor predisposition; Hereditary Cancer Syndrome; Hereditary neoplastic syndrome. Identifiers: Orphanet 140162, MedGen C0027672, MeSH D009386, MONDO:0015356.
Bloom syndrome (BLM). Also called: Bloom-Torre-Machacek syndrome. Identifiers: Orphanet 125, MedGen C0005859, MONDO:0008876, OMIM 210900.

Allele frequency attached by ClinVar (database versions not stated): gnomAD exomes below 0.00001 and 0.00001; ExAC 0.00001; gnomAD 0.00002 and 0.00003; TOPMed 0.00002.
gnomAD v4.1: 5 of 1,613,952 alleles (0.00031%); highest among the groups gnomAD compares: African/African-American, 0.0067%; no homozygotes.

Submissions (2):

Labcorp Genetics (formerly Invitae), Labcorp
Classification: Uncertain significance for Bloom syndrome. Last evaluated: 2025-10-14. Review status: criteria provided, single submitter. Criteria: Invitae Variant Classification Sherloc (09022015). Collection method: clinical testing. Allele origin: germline.
Comment: This sequence change replaces asparagine, which is neutral and polar, with threonine, which is neutral and polar, at codon 515 of the BLM protein (p.Asn515Thr). This variant is present in population databases (rs765536045, gnomAD 0.007%). This variant has not been reported in the literature in individuals affected with BLM-related conditions. ClinVar contains an entry for this variant (Variation ID: 819511). Invitae Evidence Modeling of protein sequence and biophysical properties (such as structural, functional, and spatial information, amino acid conservation, physicochemical variation, residue mobility, and thermodynamic stability) indicates that this missense variant is not expected to disrupt BLM protein function with a negative predictive value of 80%. In summary, the available evidence is currently insufficient to determine the role of this variant in disease. Therefore, it has been classified as a Variant of Uncertain Significance.

Ambry Genetics
Classification: Uncertain significance for Hereditary cancer-predisposing syndrome. Last evaluated: 2023-09-20. Review status: criteria provided, single submitter. Criteria: Ambry Variant Classification Scheme 2023. Collection method: clinical testing. Allele origin: germline.
Comment: The p.N515T variant (also known as c.1544A>C), located in coding exon 6 of the BLM gene, results from an A to C substitution at nucleotide position 1544. The asparagine at codon 515 is replaced by threonine, an amino acid with similar properties. This amino acid position is poorly conserved in available vertebrate species. In addition, this alteration is predicted to be tolerated by in silico analysis. Since supporting evidence is limited at this time, the clinical significance of this alteration remains unclear.

NM_000057.4(BLM):c.1544A>C (p.Asn515Thr)

Gene: BLM (BLM RecQ like helicase; plus strand). Cytogenetic location: 15q26.1.
Variant type: single nucleotide variant.
Coding change: c.1544A>C on transcript NM_000057.4 (MANE Select); coding-DNA position 1544, A replaced by C.
Protein change: p.Asn515Thr; replaces asparagine 515 with threonine.
Molecular consequence: missense variant.
Genome position (GRCh38, 1-based): chr15:90,760,917, A>C. VCF-style: chr15-90760917-A-C. GRCh37 (hg19) VCF-style: chr15-91304147-A-C.
Other names: c.1544A>C, p.Asn515Thr (NM_001287246.2, NM_001287247.2); c.419A>C, p.Asn140Thr (NM_001287248.2); short protein forms N515T, N140T.
Identifiers: ClinVar variation 819511 (VCV000819511.12), dbSNP rs765536045, ClinGen allele CA7738556.
Genomic context (GRCh38, chr15:90,760,917, plus strand): 5'-ATTTACAGAAGTCCTTTGTAAGTAGCAACTGGGCTGAAACACCAAGACTAGGAAAAAAAA[A>C]TGAAAGCTCTTATTTCCCAGGAAATGTTCTCACAAGCACTGCTGTGAAAGATCAGAATAA-3'
Protein context (NP_000048.1, residues 505-525): WAETPRLGKK[Asn515Thr]ESSYFPGNVL